The following is an entry in ClinVar:

ClinVar aggregate classification (germline): Likely benign (1 of 4 stars; one submission).

Conditions:
EPS8L2-related disorder. Also called: EPS8L2-related condition.

gnomAD v4.1: 63 of 1,601,218 alleles (0.0039%); highest among the groups gnomAD compares: African/African-American, 0.078%; no homozygotes.

Submission:

PreventionGenetics, part of Exact Sciences
Classification: Likely benign for EPS8L2-related condition. Last evaluated: 2025-09-12. Review status: criteria provided, single submitter. Criteria: ACMG Guidelines, 2015. Collection method: clinical testing. Allele origin: germline.
Comment: This variant is classified as likely benign based on ACMG/AMP sequence variant interpretation guidelines (Richards et al. 2015 PMID: 25741868, with internal and published modifications).

NM_022772.4(EPS8L2):c.1410C>A (p.Pro470=)

Gene: EPS8L2 (EPS8 signaling adaptor L2; plus strand). Cytogenetic location: 11p15.5.
Variant type: single nucleotide variant.
Coding change: c.1410C>A on transcript NM_022772.4 (MANE Select); coding-DNA position 1410, C replaced by A.
Protein change: p.Pro470=; no amino-acid change (proline 470 retained).
Molecular consequence: synonymous variant.
Genome position (GRCh38, 1-based): chr11:723,309, C>A. VCF-style: chr11-723309-C-A. GRCh37 (hg19) VCF-style: chr11-723309-C-A.
Other names: c.1410C>A, p.Pro470= (NM_001441192.1, NM_001441193.1); c.873C>A, p.Pro291= (NM_001441194.1).
Identifiers: ClinVar variation 4977030 (VCV004977030.1).
Genomic context (GRCh38, chr11:723,309, plus strand): 5'-AGTGAGCCGACAGTCCATAAGAAACTCCCAGAAGCACAGCCCCACTTCAGAGCCCACCCC[C>A]CCGGGGGATGCCCTACCACCAGTCAGCTCCCCACATACTCACAGGTAAGCCCCCCTCAAA-3'
Protein context (NP_073609.2, residues 460-480): QKHSPTSEPT[Pro470=]PGDALPPVSS